The following is an entry in ClinVar:

NM_080425.4(GNAS):c.793C>T (p.Arg265Cys)

Gene: GNAS (GNAS complex locus; plus strand). Cytogenetic location: 20q13.32.
Variant type: single nucleotide variant.
Coding change: c.793C>T on transcript NM_080425.4 (MANE Plus Clinical); coding-DNA position 793, C replaced by T.
Protein change: p.Arg265Cys; replaces arginine 265 with cysteine.
Molecular consequence: missense variant. On other transcripts: synonymous variant (2), intron variant (3).
Genome position (GRCh38, 1-based): chr20:58,854,058, C>T. VCF-style: chr20-58854058-C-T. GRCh37 (hg19) VCF-style: chr20-57429113-C-T.
Other names: c.606C>T, p.Ser202= (NM_001077490.3, NM_001309883.1); c.793C>T, p.Arg265Cys (NM_001410913.1); c.*42+13172C>T (NM_016592.5); c.43+13172C>T (NM_001410912.1); c.-39+12183C>T (NM_001309861.2); short protein forms R265C.
Identifiers: ClinVar variation 4982728 (VCV004982728.1).

ClinVar aggregate classification (germline): Uncertain significance (1 of 4 stars; one submission).

Conditions:
GNAS-related disorder. Identifiers: MedGen CN380105.

gnomAD v4.1: 3 of 1,610,910 alleles (0.00019%); highest among the groups gnomAD compares: African/African-American, 0.004%; no homozygotes.

Submission:

PreventionGenetics, part of Exact Sciences
Classification: Uncertain significance for GNAS-related condition. Last evaluated: 2025-01-13. Review status: criteria provided, single submitter. Criteria: ACMG Guidelines, 2015. Collection method: clinical testing. Allele origin: germline.
Comment: The GNAS c.793C>T variant is predicted to result in the amino acid substitution p.Arg265Cys. This variant is also known as c.-37669C>T (Pre-Coding) under the alternative transcript NM_000516. To our knowledge, this variant has not been reported in the literature or in a large population database (gnomAD), indicating this variant is rare. At this time, the clinical significance of this variant is uncertain due to the absence of conclusive functional and genetic evidence.